The following is an entry in ClinVar:

NM_000310.4(PPT1):c.634A>G (p.Asn212Asp)

Gene: PPT1 (palmitoyl-protein thioesterase 1; minus strand). Cytogenetic location: 1p34.2.
Variant type: single nucleotide variant.
Coding change: c.634A>G on transcript NM_000310.4 (MANE Select); coding-DNA position 634, A replaced by G.
Protein change: p.Asn212Asp; replaces asparagine 212 with aspartic acid.
Molecular consequence: missense variant.
Genome position (GRCh38, 1-based): chr1:40,078,652, T>C on the plus strand (A>G on the coding strand, the complement: PPT1 is on the minus strand). VCF-style: chr1-40078652-T-C. GRCh37 (hg19) VCF-style: chr1-40544324-T-C.
Other names: c.325A>G, p.Asn109Asp (NM_001142604.2); c.634A>G, p.Asn212Asp (NM_001363695.2); short protein forms N109D, N212D.
Identifiers: ClinVar variation 2156457 (VCV002156457.2), dbSNP rs375831846, ClinGen allele CA789597.
Genomic context (GRCh38, chr1:40,078,652, plus strand): 5'-TGAGGAATTTCACCATCACAAACTTCTTCAGGGCCATCAGGTTTTTCTTGTAGGACTCAT[T>C]GATACCCTGAAAGAAAGGCCAGCAACACCTAAGGTCATTACCATCAGACACCAGCAGAGG-3'
Protein context (NP_000301.1, residues 202-222): LADINQERGI[Asn212Asp]ESYKKNLMAL

ClinVar aggregate classification (germline): Uncertain significance. Review status: criteria provided, multiple submitters, no conflicts (2 of 4 stars). 2 submissions from 2 submitters: Uncertain significance (2). Last evaluated 2024-04-08.

Conditions:
Neuronal ceroid lipofuscinosis 1 (CLN1). Also called: CEROID LIPOFUSCINOSIS, NEURONAL, 1, VARIABLE AGE AT ONSET; PPT1-Related Neuronal Ceroid-Lipofuscinosis. Identifiers: Orphanet 228329, MedGen C1850451, MONDO:0009744, OMIM 256730.

Allele frequency attached by ClinVar (database versions not stated): TOPMed 0.00002; ExAC 0.00003; gnomAD exomes 0.00004; gnomAD 0.00005.
gnomAD v4.1: 71 of 1,613,064 alleles (0.0044%); highest among the groups gnomAD compares: Non-Finnish European, 0.0057%; no homozygotes.

Submissions (2):

Blueprint Genetics
Classification: Uncertain significance. Last evaluated: 2024-04-08. Review status: criteria provided, single submitter. Criteria: ACMG Guidelines, 2015. Collection method: clinical testing. Allele origin: germline.

Labcorp Genetics (formerly Invitae), Labcorp
Classification: Uncertain significance for Neuronal ceroid lipofuscinosis 1. Last evaluated: 2022-07-02. Review status: criteria provided, single submitter. Criteria: Invitae Variant Classification Sherloc (09022015). Collection method: clinical testing. Allele origin: germline.
Comment: This sequence change replaces asparagine, which is neutral and polar, with aspartic acid, which is acidic and polar, at codon 212 of the PPT1 protein (p.Asn212Asp). This variant is present in population databases (rs375831846, gnomAD 0.005%). This variant has not been reported in the literature in individuals affected with PPT1-related conditions. Advanced modeling of protein sequence and biophysical properties (such as structural, functional, and spatial information, amino acid conservation, physicochemical variation, residue mobility, and thermodynamic stability) performed at Invitae indicates that this missense variant is expected to disrupt PPT1 protein function. In summary, the available evidence is currently insufficient to determine the role of this variant in disease. Therefore, it has been classified as a Variant of Uncertain Significance.